The following is an entry in ClinVar:

NM_021930.6(RINT1):c.1656T>C (p.Asp552=)

Gene: RINT1 (RAD50 interactor 1; plus strand). Cytogenetic location: 7q22.3.
Variant type: single nucleotide variant.
Coding change: c.1656T>C on transcript NM_021930.6 (MANE Select); coding-DNA position 1656, T replaced by C.
Protein change: p.Asp552=; no amino-acid change (aspartic acid 552 retained).
Molecular consequence: synonymous variant.
Genome position (GRCh38, 1-based): chr7:105,555,212, T>C. VCF-style: chr7-105555212-T-C. GRCh37 (hg19) VCF-style: chr7-105195659-T-C.
Other names: c.1422T>C, p.Asp474= (NM_001346599.2); c.633T>C, p.Asp211= (NM_001346600.2, NM_001346603.2); c.732T>C, p.Asp244= (NM_001346601.2); c.1656T>C (NM_021930.5).
Identifiers: ClinVar variation 416401 (VCV000416401.39), dbSNP rs192297021, ClinGen allele CA4426724.

ClinVar aggregate classification (germline): Benign/Likely benign. Review status: criteria provided, multiple submitters, no conflicts (2 of 4 stars). 4 submissions from 4 submitters: Benign (2); Likely benign (2). Last evaluated 2026-01-14.

Conditions:
RINT1-related disorder. Also called: RINT1-related condition.

Allele frequency attached by ClinVar (database versions not stated): ExAC 0.00036; gnomAD 0.00004 and 0.00013; TOPMed 0.00006; 1000 Genomes Project 30x 0.00016; 1000 Genomes Project 0.00020; gnomAD exomes 0.00026 and 0.00031.
gnomAD v4.1: 390 of 1,613,418 alleles (0.024%); highest among the groups gnomAD compares: East Asian, 0.81%; 2 homozygotes.

Submissions (4):

Labcorp Genetics (formerly Invitae), Labcorp
Classification: Benign. Last evaluated: 2026-01-14. Review status: criteria provided, single submitter. Criteria: Invitae Variant Classification Sherloc (09022015). Collection method: clinical testing. Allele origin: germline.

PreventionGenetics, part of Exact Sciences
Classification: Likely benign for RINT1-related condition. Last evaluated: 2025-12-11. Review status: criteria provided, single submitter. Criteria: ACMG Guidelines, 2015. Collection method: clinical testing. Allele origin: germline.
Comment: This variant is classified as likely benign based on ACMG/AMP sequence variant interpretation guidelines (Richards et al. 2015 PMID: 25741868, with internal and published modifications).

CeGaT Center for Human Genetics Tuebingen
Classification: Likely benign. Last evaluated: 2022-04-01. Review status: criteria provided, single submitter. Criteria: CeGaT Center For Human Genetics Tuebingen Variant Classification Criteria Version 2. Collection method: clinical testing. Allele origin: germline. Affected: yes. Observed: 1 variant allele.
Comment: RINT1: BP4, BP7

Ambry Genetics
Classification: Benign. Last evaluated: 2020-09-22. Review status: criteria provided, single submitter. Criteria: Ambry Variant Classification Scheme 2023. Collection method: clinical testing. Allele origin: germline.